The following is an entry in ClinVar:

ClinVar aggregate classification (germline): Uncertain significance (1 of 4 stars; one submission).

gnomAD v4.1: 4 of 1,612,174 alleles (0.00025%); highest among the groups gnomAD compares: Non-Finnish European, 0.00034%; no homozygotes.

Submission:

Ambry Genetics
Classification: Uncertain significance. Last evaluated: 2026-04-30. Review status: criteria provided, single submitter. Criteria: Ambry Variant Classification Scheme 2023. Collection method: clinical testing. Allele origin: germline.
Comment: The p.A12T variant (also known as c.34G>A), located in coding exon 1 of the GFI1 gene, results from a G to A substitution at nucleotide position 34. The alanine at codon 12 is replaced by threonine, an amino acid with similar properties. This amino acid position is conserved. In addition, this alteration is predicted to be tolerated by in silico analysis. Based on the available evidence, the clinical significance of this variant remains unclear.

NM_005263.5(GFI1):c.34G>A (p.Ala12Thr)

Gene: GFI1 (growth factor independent 1 transcriptional repressor; minus strand). Cytogenetic location: 1p22.1.
Variant type: single nucleotide variant.
Coding change: c.34G>A on transcript NM_005263.5 (MANE Select); coding-DNA position 34, G replaced by A.
Protein change: p.Ala12Thr; replaces alanine 12 with threonine.
Molecular consequence: missense variant.
Genome position (GRCh38, 1-based): chr1:92,483,454, C>T on the plus strand (G>A on the coding strand, the complement: GFI1 is on the minus strand). VCF-style: chr1-92483454-C-T. GRCh37 (hg19) VCF-style: chr1-92949011-C-T.
Other names: c.34G>A, p.Ala12Thr (NM_001127215.3, NM_001127216.3); short protein forms A12T.
Identifiers: ClinVar variation 4858050 (VCV004858050.1).
Genomic context (GRCh38, chr1:92,483,454, plus strand): 5'-CATTCTCTAAACGGAGGGAATAGTCTGGTCCTGGGGAGCGCGGCTGGTGGTAGCTGTGAG[C>T]CTTCTTGCTTTTGACGAGAAATGAGCGCGGCATGGTGGTCCGGCACTTTCCCCACTGCGC-3'
Protein context (NP_005254.2, residues 2-22): PRSFLVKSKK[Ala12Thr]HSYHQPRSPG